The following is an entry in ClinVar:

NM_001303256.3(MORC2):c.221A>G (p.Asp74Gly)

Gene: MORC2 (MORC family CW-type zinc finger 2; minus strand). Cytogenetic location: 22q12.2.
Variant type: single nucleotide variant.
Coding change: c.221A>G on transcript NM_001303256.3 (MANE Select); coding-DNA position 221, A replaced by G.
Protein change: p.Asp74Gly; replaces aspartic acid 74 with glycine.
Molecular consequence: missense variant.
Genome position (GRCh38, 1-based): chr22:30,950,382, T>C on the plus strand (A>G on the coding strand, the complement: MORC2 is on the minus strand). VCF-style: chr22-30950382-T-C. GRCh37 (hg19) VCF-style: chr22-31346368-T-C.
Other names: c.221A>G, p.Asp74Gly (NM_001303257.2); c.35A>G, p.Asp12Gly (NM_014941.3); short protein forms D74G, D12G.
Identifiers: ClinVar variation 475596 (VCV000475596.7), dbSNP rs1555942389, ClinGen allele CA411246069.
Genomic context (GRCh38, chr22:30,950,382, plus strand): 5'-AAAAATGGTTACATCGCACCCCCCCACCCCCCAAAACAATAATCTCATCACTTACTTGGA[T>C]CCATTCCTGCTCCATCATCCAAAAAGCAAAGCATAAATCCTCCTCGAAGGTCCTCTCGTC-3'
Protein context (NP_001290185.1, residues 64-84): LCFLDDGAGM[Asp74Gly]PSDAASVIQF

ClinVar aggregate classification (germline): Uncertain significance (1 of 4 stars; one submission).

Conditions:
Charcot-Marie-Tooth disease axonal type 2Z. Also called: CHARCOT-MARIE-TOOTH DISEASE, AXONAL, AUTOSOMAL DOMINANT, TYPE 2Z; CHARCOT-MARIE-TOOTH NEUROPATHY, TYPE 2Z. Identifiers: Orphanet 466768, MedGen C5569025, MONDO:0014736, OMIM 616688.

gnomAD v4.1: 1 of 1,496,772 alleles (0.000067%); no homozygotes.

Submission:

Labcorp Genetics (formerly Invitae), Labcorp
Classification: Uncertain significance for Charcot-Marie-Tooth disease axonal type 2Z. Last evaluated: 2023-11-13. Review status: criteria provided, single submitter. Criteria: Invitae Variant Classification Sherloc (09022015). Collection method: clinical testing. Allele origin: germline.
Comment: This sequence change replaces aspartic acid, which is acidic and polar, with glycine, which is neutral and non-polar, at codon 74 of the MORC2 protein (p.Asp74Gly). This variant is not present in population databases (gnomAD no frequency). This variant has not been reported in the literature in individuals affected with MORC2-related conditions. ClinVar contains an entry for this variant (Variation ID: 475596). Advanced modeling of protein sequence and biophysical properties (such as structural, functional, and spatial information, amino acid conservation, physicochemical variation, residue mobility, and thermodynamic stability) performed at Invitae indicates that this missense variant is expected to disrupt MORC2 protein function with a positive predictive value of 95%. In summary, the available evidence is currently insufficient to determine the role of this variant in disease. Therefore, it has been classified as a Variant of Uncertain Significance.